The following is an entry in ClinVar:

ClinVar aggregate classification (germline): Uncertain significance (1 of 4 stars; one submission).

Allele frequency attached by ClinVar (database versions not stated): ExAC 0.00006.

Submission:

Labcorp Genetics (formerly Invitae), Labcorp
Classification: Uncertain significance. Last evaluated: 2025-12-24. Review status: criteria provided, single submitter. Criteria: Invitae Variant Classification Sherloc (09022015). Collection method: clinical testing. Allele origin: germline.
Comment: This sequence change replaces glutamic acid, which is acidic and polar, with glutamine, which is neutral and polar, at codon 148 of the RNF113A protein (p.Glu148Gln). This variant is present in population databases (rs756281632, gnomAD 0.01%). This variant has not been reported in the literature in individuals affected with RNF113A-related conditions. ClinVar contains an entry for this variant (Variation ID: 1476574). Invitae Evidence Modeling of protein sequence and biophysical properties (such as structural, functional, and spatial information, amino acid conservation, physicochemical variation, residue mobility, and thermodynamic stability) indicates that this missense variant is not expected to disrupt RNF113A protein function with a negative predictive value of 80%. In summary, the available evidence is currently insufficient to determine the role of this variant in disease. Therefore, it has been classified as a Variant of Uncertain Significance.

NM_006978.3(RNF113A):c.442G>C (p.Glu148Gln)

Gene: RNF113A (ring finger protein 113A; minus strand). Cytogenetic location: Xq24.
Variant type: single nucleotide variant.
Coding change: c.442G>C on transcript NM_006978.3 (MANE Select); coding-DNA position 442, G replaced by C.
Protein change: p.Glu148Gln; replaces glutamic acid 148 with glutamine.
Molecular consequence: missense variant.
Genome position (GRCh38, 1-based): chrX:119,871,172, C>G on the plus strand (G>C on the coding strand, the complement: RNF113A is on the minus strand). VCF-style: chrX-119871172-C-G. GRCh37 (hg19) VCF-style: chrX-119005135-C-G.
Other names: short protein forms E148Q.
Identifiers: ClinVar variation 1476574 (VCV001476574.6), dbSNP rs756281632, ClinGen allele CA10503464.